The following is an entry in ClinVar:

NM_000094.4(COL7A1):c.197T>C (p.Leu66Pro)

Gene: COL7A1 (collagen type VII alpha 1 chain; minus strand). Cytogenetic location: 3p21.31.
Variant type: single nucleotide variant.
Coding change: c.197T>C on transcript NM_000094.4 (MANE Select); coding-DNA position 197, T replaced by C.
Protein change: p.Leu66Pro; replaces leucine 66 with proline.
Molecular consequence: missense variant.
Genome position (GRCh38, 1-based): chr3:48,594,437, A>G on the plus strand (T>C on the coding strand, the complement: COL7A1 is on the minus strand). VCF-style: chr3-48594437-A-G. GRCh37 (hg19) VCF-style: chr3-48631870-A-G.
Other names: short protein forms L66P.
Identifiers: ClinVar variation 2025000 (VCV002025000.1), dbSNP rs2531364934, ClinGen allele CA352749506.

ClinVar aggregate classification (germline): Uncertain significance (1 of 4 stars; one submission).

Allele frequency attached by ClinVar (database versions not stated): gnomAD exomes below 0.00001.
gnomAD v4.1: 1 of 1,612,172 alleles (0.000062%); highest among the groups gnomAD compares: Non-Finnish European, 0.000085%; no homozygotes.

Submission:

Labcorp Genetics (formerly Invitae), Labcorp
Classification: Uncertain significance. Last evaluated: 2021-12-02. Review status: criteria provided, single submitter. Criteria: Invitae Variant Classification Sherloc (09022015). Collection method: clinical testing. Allele origin: germline.
Comment: This sequence change replaces leucine, which is neutral and non-polar, with proline, which is neutral and non-polar, at codon 66 of the COL7A1 protein (p.Leu66Pro). This variant is not present in population databases (gnomAD no frequency). This variant has not been reported in the literature in individuals affected with COL7A1-related conditions. Algorithms developed to predict the effect of missense changes on protein structure and function are either unavailable or do not agree on the potential impact of this missense change (SIFT: "Tolerated"; PolyPhen-2: "Not Available"; Align-GVGD: "Class C0"). In summary, the available evidence is currently insufficient to determine the role of this variant in disease. Therefore, it has been classified as a Variant of Uncertain Significance.